The following is an entry in ClinVar:

ClinVar aggregate classification (germline): Pathogenic (0 of 4 stars; one submission).

Conditions:
Steinert myotonic dystrophy syndrome (DM1). Also called: STEINERT DISEASE; Myotonic dystrophy type 1; Dystrophia myotonica type 1; Steinert myotonic dystrophy; Steinert's disease. Identifiers: Orphanet 273, MedGen C3250443, MONDO:0008056, OMIM 160900.

Submission:

Institute of Molecular, Cell and Systems Biology, University of Glasgow
Classification: Pathogenic for Steinert myotonic dystrophy syndrome. Review status: no assertion criteria provided. Criteria: research. Collection method: research. Allele origin: germline. Inheritance: Autosomal dominant inheritance. Affected: yes. Observed: 1 heterozygote.
Comment: DMPK CTG repeat expansions greater than approximately 45-50 repeats are assumed to be pathogenic

This record is based on data published in PubMed 25052313, which reports only ClinVar accessions SCV000120188 and SCV000120189. The complete data set includes SCV000207445 - SCV000207579.

Literature cited by the submitters: PubMed 1346923; PubMed 1546326; PubMed 25052313.

NM_004409.5(DMPK):c.*224CTG[440]

Genes: DM1-AS (DM1 locus antisense RNA; plus strand), DMPK (DM1 protein kinase; minus strand), LOC107075317 (origin of replication in DMPK trinucleotide repeat region; plus strand), LOC109461477 (dystrophia myotonica protein kinase repeat instability region; plus strand). Cytogenetic location: 19q13.32.
Variant type: Microsatellite.
Coding change: c.*224CTG[440] on transcript NM_004409.5 (MANE Select); 440 copies in a row of the 3-base unit CTG starting at c.*224.
Molecular consequence: 3 prime UTR variant.
Genome position: GRCh38, VCF-style position (the base before the change): chr19:45,770,204. GRCh37 (hg19), VCF-style position (the base before the change): chr19:46,273,462.
Other names: DM1 CTG repeat expansion; c.*224CTG[440] (NM_001288764.2, NM_001424165.1, NM_001081560.3 and 1 more transcripts); c.*217CTG[440] (NM_001288765.2, NM_001424162.1, NM_001424166.1 and 2 more transcripts); c.*369CTG[440] (NM_001288766.2, NM_001424164.1, NM_001424168.1); c.*222_*224TGC[440] (NM_001081563.3).
Identifiers: ClinVar variation 187983 (VCV000187983.1), ClinGen allele CA915951801.